The following is an entry in ClinVar:

ClinVar aggregate classification (germline): Uncertain significance (1 of 4 stars; one submission).

Conditions:
Hereditary cancer-predisposing syndrome. Also called: Tumor predisposition; Neoplastic Syndromes, Hereditary; Hereditary Cancer Syndrome; Hereditary neoplastic syndrome. Identifiers: Orphanet 140162, MedGen C0027672, MeSH D009386, MONDO:0015356.

Submission:

Ambry Genetics
Classification: Uncertain significance for Hereditary cancer-predisposing syndrome. Last evaluated: 2024-07-09. Review status: criteria provided, single submitter. Criteria: Ambry Variant Classification Scheme 2023. Collection method: clinical testing. Allele origin: germline.
Comment: The p.S1524P variant (also known as c.4570T>C), located in coding exon 13 of the BRCA1 gene, results from a T to C substitution at nucleotide position 4570. The serine at codon 1524 is replaced by proline, an amino acid with similar properties. This amino acid position is well conserved in available vertebrate species. In addition, the in silico prediction for this alteration is inconclusive. Based on the available evidence, the clinical significance of this variant remains unclear.

NM_007294.4(BRCA1):c.4570T>C (p.Ser1524Pro)

Gene: BRCA1 (BRCA1 DNA repair associated; minus strand). Cytogenetic location: 17q21.31.
Variant type: single nucleotide variant.
Coding change: c.4570T>C on transcript NM_007294.4 (MANE Select); coding-DNA position 4570, T replaced by C.
Protein change: p.Ser1524Pro; replaces serine 1524 with proline.
Molecular consequence: missense variant. On other transcripts: intron variant (3).
Genome position (GRCh38, 1-based): chr17:43,074,436, A>G on the plus strand (T>C on the coding strand, the complement: BRCA1 is on the minus strand). VCF-style: chr17-43074436-A-G. GRCh37 (hg19) VCF-style: chr17-41226453-A-G.
Other names: c.4570T>C, p.Ser1524Pro (NM_001407602.1, NM_001407603.1, NM_001407605.1 and 8 more transcripts); c.4429T>C, p.Ser1477Pro (NM_001407942.1, NM_001407692.1, NM_001407694.1 and 13 more transcripts); c.4426T>C, p.Ser1476Pro (NM_001407943.1, NM_001407944.1, NM_001407945.1 and 21 more transcripts); c.4567T>C, p.Ser1523Pro (NM_001407610.1, NM_001407611.1, NM_001407615.1 and 17 more transcripts); c.4237T>C, p.Ser1413Pro (NM_001407946.1, NM_001407947.1, NM_001407949.1 and 1 more transcripts); c.4234T>C, p.Ser1412Pro (NM_001407950.1, NM_001407951.1, NM_001407952.1 and 3 more transcripts); c.4357T>C, p.Ser1453Pro (NM_001407571.1, NM_001407894.1, NM_001407895.1 and 12 more transcripts); c.4636T>C, p.Ser1546Pro (NM_001407581.1, NM_001407582.1); and 71 more; short protein forms S1395P, S1397P, S1411P, S1413P, S1455P, S1476P, S1477P, S1480P.
Identifiers: ClinVar variation 3481817 (VCV003481817.1).
Genomic context (GRCh38, chr17:43,074,436, plus strand): 5'-GCCCAGACTCTTCCAGCTGTTGCTCCTCCACATCAACAACCTTAATGAGCTCCTCTTGAG[A>G]TGGGTAGTTTCTATTCTGAAGACTCCCAGAGCAACTGTGCATGTACCACCTATCATCTAA-3'
Protein context (NP_009225.1, residues 1514-1534): SGSLQNRNYP[Ser1524Pro]QEELIKVVDV